The following is an entry in ClinVar:

NM_000306.4(POU1F1):c.472G>A (p.Ala158Thr)

Gene: POU1F1 (POU class 1 homeobox 1; minus strand). Cytogenetic location: 3p11.2.
Variant type: single nucleotide variant.
Coding change: c.472G>A on transcript NM_000306.4 (MANE Select); coding-DNA position 472, G replaced by A.
Protein change: p.Ala158Thr; replaces alanine 158 with threonine.
Molecular consequence: missense variant.
Genome position (GRCh38, 1-based): chr3:87,262,203, C>T on the plus strand (G>A on the coding strand, the complement: POU1F1 is on the minus strand). VCF-style: chr3-87262203-C-T. GRCh37 (hg19) VCF-style: chr3-87311353-C-T.
Other names: c.550G>A, p.Ala184Thr (NM_001122757.3); short protein forms A158T, A184T.
Identifiers: ClinVar variation 3339052 (VCV003339052.1).

ClinVar aggregate classification (germline): Uncertain significance (1 of 4 stars; one submission).

gnomAD v4.1: 6 of 1,613,978 alleles (0.00037%); highest among the groups gnomAD compares: Admixed American, 0.0033%; no homozygotes.

Submission:

Women's Health and Genetics/Laboratory Corporation of America, LabCorp
Classification: Uncertain significance. Last evaluated: 2024-07-08. Review status: criteria provided, single submitter. Criteria: LabCorp Variant Classification Summary - May 2015. Collection method: clinical testing. Allele origin: germline.
Comment: Variant summary: POU1F1 c.472G>A (p.Ala158Thr) results in a non-conservative amino acid change located in the POU-specific domain (IPR000327) of the encoded protein sequence. Five of five in-silico tools predict a damaging effect of the variant on protein function. The variant allele was found at a frequency of 8e-06 in 251380 control chromosomes. The available data on variant occurrences in the general population are insufficient to allow any conclusion about variant significance. To our knowledge, no occurrence of c.472G>A in individuals affected with Combined Pituitary Hormone Deficiency and no experimental evidence demonstrating its impact on protein function have been reported. No submitters have cited clinical-significance assessments for this variant to ClinVar. Based on the evidence outlined above, the variant was classified as uncertain significance.